The following is an entry in ClinVar:

NM_006258.4(PRKG1):c.1576T>C (p.Phe526Leu)

Gene: PRKG1 (protein kinase cGMP-dependent 1; plus strand). Cytogenetic location: 10q21.1.
Variant type: single nucleotide variant.
Coding change: c.1576T>C on transcript NM_006258.4 (MANE Select); coding-DNA position 1576, T replaced by C.
Protein change: p.Phe526Leu; replaces phenylalanine 526 with leucine.
Molecular consequence: missense variant.
Genome position (GRCh38, 1-based): chr10:52,282,183, T>C. VCF-style: chr10-52282183-T-C. GRCh37 (hg19) VCF-style: chr10-54041943-T-C.
Other names: c.1576T>C, p.Phe526Leu (LRG_1135t1); c.1531T>C, p.Phe511Leu (LRG_1135t2, NM_001098512.3); short protein forms F511L, F526L.
Identifiers: ClinVar variation 477773 (VCV000477773.10), dbSNP rs74905373, ClinGen allele CA5503896.

ClinVar aggregate classification (germline): Conflicting classifications of pathogenicity. Review status: criteria provided, conflicting classifications (1 of 4 stars). 2 submissions from 2 submitters: Uncertain significance (1); Likely benign (1). Last evaluated 2025-12-08.

Conditions:
Aortic aneurysm, familial thoracic 8 (AAT8). Identifiers: MedGen C3809513, MONDO:0014187, OMIM 615436.
Familial thoracic aortic aneurysm and aortic dissection (TAAD). Also called: Thoracic aortic aneurysms and dissections. Identifiers: Orphanet 91387, MedGen C4707243, MONDO:0019625.

Allele frequency attached by ClinVar (database versions not stated): TOPMed below 0.00001; gnomAD exomes 0.00001; ExAC 0.00002.
gnomAD v4.1: 18 of 1,606,134 alleles (0.0011%); highest among the groups gnomAD compares: Non-Finnish European, 0.0015%; no homozygotes.

Submissions (2):

Labcorp Genetics (formerly Invitae), Labcorp
Classification: Uncertain significance for Aortic aneurysm, familial thoracic 8. Last evaluated: 2025-12-08. Review status: criteria provided, single submitter. Criteria: Invitae Variant Classification Sherloc (09022015). Collection method: clinical testing. Allele origin: germline.
Comment: This sequence change replaces phenylalanine, which is neutral and non-polar, with leucine, which is neutral and non-polar, at codon 526 of the PRKG1 protein (p.Phe526Leu). This variant is present in population databases (rs74905373, gnomAD 0.002%). This variant has not been reported in the literature in individuals affected with PRKG1-related conditions. ClinVar contains an entry for this variant (Variation ID: 477773). An algorithm developed to predict the effect of missense changes on protein structure and function (PolyPhen-2) suggests that this variant is likely to be tolerated. In summary, the available evidence is currently insufficient to determine the role of this variant in disease. Therefore, it has been classified as a Variant of Uncertain Significance.

Ambry Genetics
Classification: Likely benign for Familial thoracic aortic aneurysm and aortic dissection. Last evaluated: 2025-01-24. Review status: criteria provided, single submitter. Criteria: Ambry Variant Classification Scheme 2023. Collection method: clinical testing. Allele origin: germline.